The following is an entry in ClinVar:

ClinVar aggregate classification (germline): Likely benign. Review status: criteria provided, multiple submitters, no conflicts (2 of 4 stars). 4 submissions from 4 submitters: Likely benign (3). 1 of the submissions does not count toward it. Last evaluated 2025-04-16.

Conditions:
Hereditary breast ovarian cancer syndrome. Also called: Hereditary breast and ovarian cancer syndrome; Hereditary breast and ovarian cancer; Hereditary breast and ovarian cancer syndrome (HBOC); Breast and ovarian cancer; Hereditary breast and/or ovarian cancer syndrome; BRCA1- and BRCA2-Associated Hereditary Breast and Ovarian Cancer. Identifiers: Orphanet 145, MedGen C0677776, MeSH D061325, MONDO:0003582. Disease mechanism: loss of function.
Hereditary cancer-predisposing syndrome. Also called: Neoplastic Syndromes, Hereditary; Tumor predisposition; Hereditary neoplastic syndrome; Hereditary Cancer Syndrome. Identifiers: Orphanet 140162, MedGen C0027672, MeSH D009386, MONDO:0015356.
Breast-ovarian cancer, familial, susceptibility to, 2 (BROVCA2). Also called: BRCA2 Hereditary Breast and Ovarian Cancer. Identifiers: Orphanet 145, MedGen C2675520, MONDO:0012933, OMIM 612555. Disease mechanism: loss of function.

Allele frequency attached by ClinVar (database versions not stated): gnomAD exomes below 0.00001 and 0.00001; ExAC 0.00002.

Submissions (4):

Women's Health and Genetics/Laboratory Corporation of America, LabCorp
Classification: Likely benign. Last evaluated: 2025-04-16. Review status: criteria provided, single submitter. Criteria: LabCorp Variant Classification Summary - May 2015. Collection method: clinical testing. Allele origin: germline.
Comment: Variant summary: BRCA2 c.9649-8T>C alters a conserved nucleotide located at a position not widely known to affect splicing. Consensus agreement among computation tools predict no significant impact on normal splicing. However, these predictions have yet to be confirmed by functional studies. The variant allele was found at a frequency of 8.2e-06 in 244264 control chromosomes. The available data on variant occurrences in the general population are insufficient to allow any conclusion about variant significance. To our knowledge, no occurrence of c.9649-8T>C in individuals affected with Hereditary Breast And Ovarian Cancer Syndrome and no experimental evidence demonstrating its impact on protein function have been reported. ClinVar contains an entry for this variant (Variation ID: 52886). Based on the evidence outlined above, the variant was classified as likely benign.

Labcorp Genetics (formerly Invitae), Labcorp
Classification: Likely benign for Hereditary breast ovarian cancer syndrome. Last evaluated: 2022-07-12. Review status: criteria provided, single submitter. Criteria: Invitae Variant Classification Sherloc (09022015). Collection method: clinical testing. Allele origin: germline.

Color Diagnostics, LLC DBA Color Health
Classification: Likely benign for Hereditary cancer-predisposing syndrome. Last evaluated: 2016-07-04. Review status: criteria provided, single submitter. Criteria: ACMG Guidelines, 2015. Collection method: clinical testing. Allele origin: germline.

Breast Cancer Information Core (BIC) (BRCA2)
Classification: Uncertain significance for Breast-ovarian cancer, familial 2. Review status: no assertion criteria provided. Collection method: clinical testing. Allele origin: germline. Affected: yes. Observed: 1 variant allele. Not counted in ClinVar's aggregate classification.

NM_000059.4(BRCA2):c.9649-8T>C

Gene: BRCA2 (BRCA2 DNA repair associated; plus strand). Cytogenetic location: 13q13.1.
Variant type: single nucleotide variant.
Coding change: c.9649-8T>C on transcript NM_000059.4 (MANE Select); 8 bases into the intron before coding-DNA position 9649, T replaced by C.
Molecular consequence: intron variant.
Genome position (GRCh38, 1-based): chr13:32,398,154, T>C. VCF-style: chr13-32398154-T-C. GRCh37 (hg19) VCF-style: chr13-32972291-T-C.
Other names: IVS26-8T>C.
Identifiers: ClinVar variation 52886 (VCV000052886.14), dbSNP rs81002857, ClinGen allele CA026256.